The following is an entry in ClinVar:

NM_000256.3(MYBPC3):c.1226+3_1226+6del

Gene: MYBPC3 (myosin binding protein C3; minus strand). Cytogenetic location: 11p11.2.
Variant type: Microsatellite.
Coding change: c.1226+3_1226+6del on transcript NM_000256.3 (MANE Select); bases 3 to 6 of the intron after coding-DNA position 1226, 4 bases deleted (AAGT; older notation c.1226+3_1226+6delAAGT).
Molecular consequence: splice donor variant.
Genome position (GRCh38, 1-based): chr11:47,343,254-47,343,257, ACTT deleted on the plus strand (AAGT on the coding strand, the reverse complement: MYBPC3 is on the minus strand); deleting any 4 consecutive bases within chr11:47,343,254-47,343,261 gives the same sequence; the c. name uses the placement nearest the transcript's 3' end. VCF-style (leftmost placement, unchanged base first): chr11-47343253-AACTT-A. GRCh37 (hg19) VCF-style: chr11-47364804-AACTT-A.
Other names: c.1226+3_1226+6delAAGT (NM_000256.3).
Identifiers: ClinVar variation 664318 (VCV000664318.7), dbSNP rs1595846648, ClinGen allele CA915948161.

ClinVar aggregate classification (germline): Uncertain significance. Review status: criteria provided, multiple submitters, no conflicts (2 of 4 stars). 2 submissions from 2 submitters: Uncertain significance (2). Last evaluated 2024-05-17.

Conditions:
Hypertrophic cardiomyopathy. Also called: HYPERTROPHIC MYOCARDIOPATHY. Identifiers: Orphanet 217569, MedGen C0007194, MeSH D002312, MONDO:0005045, HP:0001639.

Submissions (2):

All of Us Research Program, National Institutes of Health
Classification: Uncertain significance for Hypertrophic cardiomyopathy. Last evaluated: 2024-05-17. Review status: criteria provided, single submitter. Criteria: ACMG Guidelines, 2015. Collection method: clinical testing. Allele origin: germline. Inheritance: Autosomal dominant inheritance. Observed: 1 variant allele, 1 heterozygote.
Comment: This study involves interpretation of variants in research participants for the purpose of population health screening. Participant phenotype was not available at the time of variant classification. Additional details can be found in publication PMID: 35346344, PMCID: PMC8962531

Labcorp Genetics (formerly Invitae), Labcorp
Classification: Uncertain significance for Hypertrophic cardiomyopathy. Last evaluated: 2020-12-25. Review status: criteria provided, single submitter. Criteria: Invitae Variant Classification Sherloc (09022015). Collection method: clinical testing. Allele origin: germline.
Comment: This sequence change falls in intron 14 of the MYBPC3 gene. It does not directly change the encoded amino acid sequence of the MYBPC3 protein, but it affects multiple nucleotides within the consensus splice site of the intron. This variant is not present in population databases (ExAC no frequency). This variant has not been reported in the literature in individuals with MYBPC3-related conditions. Nucleotide substitutions within the consensus splice site are a relatively common cause of aberrant splicing (PMID: 17576681, 9536098). Algorithms developed to predict the effect of sequence changes on RNA splicing suggest that this variant may disrupt the consensus splice site, but this prediction has not been confirmed by published transcriptional studies. In summary, the available evidence is currently insufficient to determine the role of this variant in disease. Therefore, it has been classified as a Variant of Uncertain Significance.

Literature cited by the submitters: PubMed 17576681 (cited by Labcorp Genetics (formerly Invitae), Labcorp); PubMed 9536098 (cited by Labcorp Genetics (formerly Invitae), Labcorp).